The following is an entry in ClinVar:

ClinVar aggregate classification (germline): Likely benign. Review status: criteria provided, multiple submitters, no conflicts (2 of 4 stars). 2 submissions from 2 submitters: Likely benign (2). Last evaluated 2024-03-24.

Conditions:
Cardiomyopathy (CMYO). Also called: Cardiomyopathies. Identifiers: Orphanet 167848, MedGen C0878544, MONDO:0004994, HP:0001638. Inheritance: Various modes of inheritance.
Catecholaminergic polymorphic ventricular tachycardia (CVPT). Also called: Catecholamine-induced polymorphic ventricular tachycardia. Identifiers: Orphanet 3286, MedGen C5574922, MONDO:0017990.

gnomAD v4.1: 2 of 1,613,902 alleles (0.00012%); highest among the groups gnomAD compares: Non-Finnish European, 0.000085%; no homozygotes.

Submissions (2):

All of Us Research Program, National Institutes of Health
Classification: Likely benign for Catecholaminergic polymorphic ventricular tachycardia. Last evaluated: 2024-03-24. Review status: criteria provided, single submitter. Criteria: ACMG Guidelines, 2015. Collection method: clinical testing. Allele origin: germline. Inheritance: Autosomal dominant inheritance. Observed: 1 variant allele, 1 heterozygote.
Comment: This study involves interpretation of variants in research participants for the purpose of population health screening. Participant phenotype was not available at the time of variant classification. Additional details can be found in publication PMID: 35346344, PMCID: PMC8962531

Color Diagnostics, LLC DBA Color Health
Classification: Likely benign for Cardiomyopathy. Last evaluated: 2024-02-28. Review status: criteria provided, single submitter. Criteria: ACMG Guidelines, 2015. Collection method: clinical testing. Allele origin: germline.

NM_001035.3(RYR2):c.5490C>T (p.Ile1830=)

Gene: RYR2 (ryanodine receptor 2; plus strand). Cytogenetic location: 1q43.
Variant type: single nucleotide variant.
Coding change: c.5490C>T on transcript NM_001035.3 (MANE Select); coding-DNA position 5490, C replaced by T.
Protein change: p.Ile1830=; no amino-acid change (isoleucine 1830 retained).
Molecular consequence: synonymous variant.
Genome position (GRCh38, 1-based): chr1:237,614,618, C>T. VCF-style: chr1-237614618-C-T. GRCh37 (hg19) VCF-style: chr1-237777918-C-T.
Identifiers: ClinVar variation 3385738 (VCV003385738.2).
Genomic context (GRCh38, chr1:237,614,618, plus strand): 5'-TGGAGGGACTACTGAATTCCTCTTTGTACCTCTCATCAAGCTTTTCTATACCCTGCTGAT[C>T]ATGGGCATCTTTCACAACGAGGACTTGAAGCACATCTTGCAGTTGATTGAGCCCAGTGTG-3'
Protein context (NP_001026.2, residues 1820-1840): PLIKLFYTLL[Ile1830=]MGIFHNEDLK